The following is an entry in ClinVar:

NM_000478.6(ALPL):c.163A>G (p.Ile55Val)

Gene: ALPL (alkaline phosphatase, biomineralization associated; plus strand). Cytogenetic location: 1p36.12.
Variant type: single nucleotide variant.
Coding change: c.163A>G on transcript NM_000478.6 (MANE Select); coding-DNA position 163, A replaced by G.
Protein change: p.Ile55Val; replaces isoleucine 55 with valine.
Molecular consequence: missense variant. On other transcripts: 5 prime UTR variant (1), synonymous variant (1).
Genome position (GRCh38, 1-based): chr1:21,560,727, A>G. VCF-style: chr1-21560727-A-G. GRCh37 (hg19) VCF-style: chr1-21887220-A-G.
Other names: c.-3A>G (NM_001127501.4); c.48A>G, p.Ser16= (NM_001177520.3); c.163A>G, p.Ile55Val (NM_001369803.2, NM_001369804.2, NM_001369805.2); short protein forms I55V.
Identifiers: ClinVar variation 2139316 (VCV002139316.4), dbSNP rs963835902, ClinGen allele CA19088150.

ClinVar aggregate classification (germline): Uncertain significance. Review status: criteria provided, multiple submitters, no conflicts (2 of 4 stars). 2 submissions from 2 submitters: Uncertain significance (2). Last evaluated 2024-09-23.

Allele frequency attached by ClinVar (database versions not stated): gnomAD exomes below 0.00001; gnomAD 0.00001; TOPMed 0.00002.
gnomAD v4.1: 8 of 1,613,984 alleles (0.0005%); highest among the groups gnomAD compares: Admixed American, 0.0067%; no homozygotes.

Submissions (2):

Labcorp Genetics (formerly Invitae), Labcorp
Classification: Uncertain significance. Last evaluated: 2024-09-23. Review status: criteria provided, single submitter. Criteria: Invitae Variant Classification Sherloc (09022015). Collection method: clinical testing. Allele origin: germline.
Comment: This sequence change replaces isoleucine, which is neutral and non-polar, with valine, which is neutral and non-polar, at codon 55 of the ALPL protein (p.Ile55Val). This variant is not present in population databases (gnomAD no frequency). This variant has not been reported in the literature in individuals affected with ALPL-related conditions. ClinVar contains an entry for this variant (Variation ID: 2139316). Invitae Evidence Modeling of protein sequence and biophysical properties (such as structural, functional, and spatial information, amino acid conservation, physicochemical variation, residue mobility, and thermodynamic stability) indicates that this missense variant is expected to disrupt ALPL protein function with a positive predictive value of 95%. In summary, the available evidence is currently insufficient to determine the role of this variant in disease. Therefore, it has been classified as a Variant of Uncertain Significance.

Blueprint Genetics
Classification: Uncertain significance. Last evaluated: 2022-07-04. Review status: criteria provided, single submitter. Criteria: ACMG Guidelines, 2015. Collection method: clinical testing. Allele origin: germline.